The following is an entry in ClinVar:

NM_014915.3(ANKRD26):c.66C>A (p.Ser22Arg)

Genes: ANKRD26 (ankyrin repeat domain 26; minus strand), LOC130003554 (ATAC-STARR-seq lymphoblastoid silent region 2243; plus strand). Cytogenetic location: 10p12.1.
Variant type: single nucleotide variant.
Coding change: c.66C>A on transcript NM_014915.3 (MANE Select); coding-DNA position 66, C replaced by A.
Protein change: p.Ser22Arg; replaces serine 22 with arginine.
Molecular consequence: missense variant.
Genome position (GRCh38, 1-based): chr10:27,100,261, G>T on the plus strand (C>A on the coding strand, the complement: ANKRD26 is on the minus strand). VCF-style: chr10-27100261-G-T. GRCh37 (hg19) VCF-style: chr10-27389190-G-T.
Other names: c.66C>A, p.Ser22Arg (NM_001256053.2); short protein forms S22R.
Identifiers: ClinVar variation 2429700 (VCV002429700.3), dbSNP rs545099268, ClinGen allele CA5449083.
Genomic context (GRCh38, chr10:27,100,261, plus strand): 5'-GACGTGGTAGCCGGGCTGCGAGTAGGCGCCCTCCCCCGGCTCGCCCCCGCCTCCCGCGCT[G>T]CTCCTCTGCCGCCGCGCGAAGGAGCCCAAGGGCGACTCGCCCTTCTTACTAAAAATCTTC-3'
Protein context (NP_055730.2, residues 12-32): PLGSFARRQR[Ser22Arg]SAGGGGEPGE

ClinVar aggregate classification (germline): Uncertain significance. Review status: criteria provided, multiple submitters, no conflicts (2 of 4 stars). 3 submissions from 3 submitters: Uncertain significance (3). Last evaluated 2025-08-04.

Conditions:
Inborn genetic diseases. Identifiers: MedGen C0950123, MeSH D030342.

Allele frequency attached by ClinVar (database versions not stated): ExAC 0.00001; gnomAD 0.00002; 1000 Genomes Project 30x 0.00047; 1000 Genomes Project 0.00060.
gnomAD v4.1: 12 of 1,610,988 alleles (0.00074%); highest among the groups gnomAD compares: South Asian, 0.012%; no homozygotes.

Submissions (3):

Ambry Genetics
Classification: Uncertain significance for Inborn genetic diseases. Last evaluated: 2025-08-04. Review status: criteria provided, single submitter. Criteria: Ambry Variant Classification Scheme 2023. Collection method: clinical testing. Allele origin: germline.

Labcorp Genetics (formerly Invitae), Labcorp
Classification: Uncertain significance. Last evaluated: 2025-04-30. Review status: criteria provided, single submitter. Criteria: Invitae Variant Classification Sherloc (09022015). Collection method: clinical testing. Allele origin: germline.
Comment: This sequence change replaces serine, which is neutral and polar, with arginine, which is basic and polar, at codon 22 of the ANKRD26 protein (p.Ser22Arg). This variant is present in population databases (rs545099268, gnomAD 0.01%). This variant has not been reported in the literature in individuals affected with ANKRD26-related conditions. ClinVar contains an entry for this variant (Variation ID: 2429700). An algorithm developed to predict the effect of missense changes on protein structure and function (PolyPhen-2) suggests that this variant is likely to be tolerated. In summary, the available evidence is currently insufficient to determine the role of this variant in disease. Therefore, it has been classified as a Variant of Uncertain Significance.

GeneDx
Classification: Uncertain significance. Last evaluated: 2022-08-11. Review status: criteria provided, single submitter. Criteria: GeneDx Variant Classification Process June 2021. Collection method: clinical testing. Allele origin: germline. Affected: yes.
Comment: Not observed at significant frequency in large population cohorts (gnomAD); In silico analysis supports that this missense variant does not alter protein structure/function; Has not been previously published as pathogenic or benign to our knowledge